The following is an entry in ClinVar:

ClinVar aggregate classification (germline): Conflicting classifications of pathogenicity. Review status: criteria provided, conflicting classifications (1 of 4 stars). 3 submissions from 3 submitters: Uncertain significance (1); Benign (1); Likely benign (1). Last evaluated 2026-07-01.

Conditions:
Malignant hyperthermia, susceptibility to, 5 (MHS5). Also called: CACNA1S-Related Malignant Hyperthermia Susceptibility. Identifiers: Orphanet 423, MedGen C1866077, MONDO:0011163, OMIM 601887.
Inborn genetic diseases. Identifiers: MedGen C0950123, MeSH D030342.
Hypokalemic periodic paralysis, type 1. Also called: HypoPP; Hypokalemic Periodic Paralysis Type 1 (AD). Identifiers: Orphanet 681, MedGen C3714580, MONDO:0042979, OMIM 170400.

Allele frequency attached by ClinVar (database versions not stated): gnomAD 0.00029 and 0.00032; ESP Exome Variant Server 0.00023; TOPMed 0.00024.
gnomAD v4.1: 77 of 1,614,052 alleles (0.0048%); highest among the groups gnomAD compares: African/African-American, 0.087%; no homozygotes.

Submissions (3):

Ambry Genetics
Classification: Uncertain significance for Inborn genetic diseases. Last evaluated: 2026-07-01. Review status: criteria provided, single submitter. Criteria: Ambry Variant Classification Scheme 2023. Collection method: clinical testing. Allele origin: germline.
Comment: The p.T461I variant (also known as c.1382C>T), located in coding exon 10 of the CACNA1S gene, results from a C to T substitution at nucleotide position 1382. The threonine at codon 461 is replaced by isoleucine, an amino acid with similar properties. This amino acid position is conserved. In addition, this alteration is predicted to be deleterious by in silico analysis. Based on the available evidence, the clinical significance of this variant remains unclear.

Labcorp Genetics (formerly Invitae), Labcorp
Classification: Benign for Hypokalemic periodic paralysis, type 1; Malignant hyperthermia, susceptibility to, 5. Last evaluated: 2026-01-28. Review status: criteria provided, single submitter. Criteria: Invitae Variant Classification Sherloc (09022015). Collection method: clinical testing. Allele origin: germline.

Color Diagnostics, LLC DBA Color Health
Classification: Likely benign for Malignant hyperthermia, susceptibility to, 5. Last evaluated: 2023-11-09. Review status: criteria provided, single submitter. Criteria: ACMG Guidelines, 2015. Collection method: clinical testing. Allele origin: germline.

NM_000069.3(CACNA1S):c.1382C>T (p.Thr461Ile)

Gene: CACNA1S (calcium voltage-gated channel subunit alpha1 S; minus strand). Cytogenetic location: 1q32.1.
Variant type: single nucleotide variant.
Coding change: c.1382C>T on transcript NM_000069.3 (MANE Select); coding-DNA position 1382, C replaced by T.
Protein change: p.Thr461Ile; replaces threonine 461 with isoleucine.
Molecular consequence: missense variant.
Genome position (GRCh38, 1-based): chr1:201,083,173, G>A on the plus strand (C>T on the coding strand, the complement: CACNA1S is on the minus strand). VCF-style: chr1-201083173-G-A. GRCh37 (hg19) VCF-style: chr1-201052301-G-A.
Other names: short protein forms T461I.
Identifiers: ClinVar variation 959794 (VCV000959794.13), dbSNP rs143202536, ClinGen allele CA078172.
Genomic context (GRCh38, chr1:201,083,173, plus strand): 5'-GCCACAGCCACATGTGCCCTCCTCCCGGCTTCACTCCGTTCCGCCTCACCTTGCAAACGG[G>A]TCAGCCAGAGAGGCTGGTTGTGGTGCTCTGAGGCGATAGACAGGGTGTTGAGGGCAACGA-3'
Protein context (NP_000060.2, residues 451-471): SEHHNQPLWL[Thr461Ile]RLQDIANRVL